The following is an entry in ClinVar:

NM_000383.4(AIRE):c.355C>A (p.Pro119Thr)

Gene: AIRE (autoimmune regulator; plus strand). Cytogenetic location: 21q22.3.
Variant type: single nucleotide variant.
Coding change: c.355C>A on transcript NM_000383.4 (MANE Select); coding-DNA position 355, C replaced by A.
Protein change: p.Pro119Thr; replaces proline 119 with threonine.
Molecular consequence: missense variant.
Genome position (GRCh38, 1-based): chr21:44,287,025, C>A. VCF-style: chr21-44287025-C-A. GRCh37 (hg19) VCF-style: chr21-45706908-C-A.
Other names: c.355C>A (NM_000383.3); short protein forms P119T.
Identifiers: ClinVar variation 2171660 (VCV002171660.5), dbSNP rs1054517518, ClinGen allele CA410423667.
Genomic context (GRCh38, chr21:44,287,025, plus strand): 5'-CCCTGAGCTGCAGATGTGGACCTCAGCCAGCCCCGGAAGGGGAGGAAGCCCCCGGCCGTC[C>A]CCAAGGCTTTGGTACCGCCACCCAGACTCCCCACCAAGAGGAAGGCCTCAGAAGAGGCTC-3'
Protein context (NP_000374.1, residues 109-129): PRKGRKPPAV[Pro119Thr]KALVPPPRLP

ClinVar aggregate classification (germline): Uncertain significance. Review status: criteria provided, single submitter (1 of 4 stars). 2 submissions from 2 submitters: Uncertain significance (1). 1 of the submissions does not count toward it. Last evaluated 2022-10-25.

Conditions:
Polyglandular autoimmune syndrome, type 1 (APS1). Also called: APS I; Autoimmune polyendocrinopathy syndrome, type I; HYPOADRENOCORTICISM WITH HYPOPARATHYROIDISM AND SUPERFICIAL MONILIASIS; PGA I; Whitaker syndrome; Autoimmune polyendocrine syndrome type 1. Identifiers: Orphanet 3453, MedGen C0085859, MONDO:0009411, OMIM 240300.

Submissions (2):

Labcorp Genetics (formerly Invitae), Labcorp
Classification: Uncertain significance for Polyglandular autoimmune syndrome, type 1. Last evaluated: 2022-10-25. Review status: criteria provided, single submitter. Criteria: Invitae Variant Classification Sherloc (09022015). Collection method: clinical testing. Allele origin: germline.
Comment: This sequence change replaces proline, which is neutral and non-polar, with threonine, which is neutral and polar, at codon 119 of the AIRE protein (p.Pro119Thr). This variant is not present in population databases (gnomAD no frequency). This variant has not been reported in the literature in individuals affected with AIRE-related conditions. Advanced modeling of protein sequence and biophysical properties (such as structural, functional, and spatial information, amino acid conservation, physicochemical variation, residue mobility, and thermodynamic stability) performed at Invitae indicates that this missense variant is not expected to disrupt AIRE protein function. Algorithms developed to predict the effect of sequence changes on RNA splicing suggest that this variant may create or strengthen a splice site. In summary, the available evidence is currently insufficient to determine the role of this variant in disease. Therefore, it has been classified as a Variant of Uncertain Significance.

Natera, Inc.
Classification: Uncertain significance for Polyglandular autoimmune syndrome type 1. Last evaluated: 2025-02-20. Review status: no assertion criteria provided. Collection method: clinical testing. Allele origin: germline. Not counted in ClinVar's aggregate classification.